The following is an entry in ClinVar:

ClinVar aggregate classification (germline): Pathogenic/Likely pathogenic. Review status: criteria provided, multiple submitters, no conflicts (2 of 4 stars). 2 submissions from 2 submitters: Pathogenic (1); Likely pathogenic (1). Last evaluated 2022-12-26.

Conditions:
Long QT syndrome (LQTS). Identifiers: MedGen C0023976, MeSH D008133, MONDO:0002442. Disease mechanism: loss of function. Inheritance: Various modes of inheritance.

Submissions (2):

Labcorp Genetics (formerly Invitae), Labcorp
Classification: Likely pathogenic for Long QT syndrome. Last evaluated: 2022-12-26. Review status: criteria provided, single submitter. Criteria: Invitae Variant Classification Sherloc (09022015). Collection method: clinical testing. Allele origin: germline.
Comment: Advanced modeling of protein sequence and biophysical properties (such as structural, functional, and spatial information, amino acid conservation, physicochemical variation, residue mobility, and thermodynamic stability) performed at Invitae indicates that this missense variant is expected to disrupt KCNQ1 protein function. ClinVar contains an entry for this variant (Variation ID: 449302). This missense change has been observed in individual(s) with long QT syndrome (PMID: 24667783, 34505893). This variant is not present in population databases (gnomAD no frequency). This sequence change replaces tyrosine, which is neutral and polar, with histidine, which is basic and polar, at codon 315 of the KCNQ1 protein (p.Tyr315His). This variant disrupts the p.Tyr315 amino acid residue in KCNQ1. Other variant(s) that disrupt this residue have been determined to be pathogenic (PMID: 9693036, 12702160, 18774102, 21451124, 24217263, 24606995). This suggests that this residue is clinically significant, and that variants that disrupt this residue are likely to be disease-causing. In summary, the currently available evidence indicates that the variant is pathogenic, but additional data are needed to prove that conclusively. Therefore, this variant has been classified as Likely Pathogenic.

GeneDx
Classification: Pathogenic. Last evaluated: 2017-09-11. Review status: criteria provided, single submitter. Criteria: GeneDx Variant Classification (06012015). Collection method: clinical testing. Allele origin: germline. Affected: yes.
Comment: The Y315H pathogenic variant in the KCNQ1 gene has been reported in at least one patient with LQTS (Rurio et al., 2014). This variant results in a non-conservative amino acid substitution at a position that is conserved across species. Missense variants in the same residue (Y315S, Y315C) and in nearby residues (V310I, G314S, D317N, P320S) have been reported in the Human Gene Mutation Database in association with LQTS (Stenson et al., 2014), supporting the functional importance of this residue and this region of the protein. Furthermore, the Y315H variant is not observed in large population cohorts (Lek et al., 2016; 1000 Genomes Consortium et al., 2015; Exome Variant Server).

Literature cited by the submitters: PubMed 24667783 (cited by Labcorp Genetics (formerly Invitae), Labcorp); PubMed 34505893 (cited by Labcorp Genetics (formerly Invitae), Labcorp); PubMed 9693036 (cited by Labcorp Genetics (formerly Invitae), Labcorp); PubMed 12702160 (cited by Labcorp Genetics (formerly Invitae), Labcorp); PubMed 18774102 (cited by Labcorp Genetics (formerly Invitae), Labcorp); PubMed 21451124 (cited by Labcorp Genetics (formerly Invitae), Labcorp); PubMed 24217263 (cited by Labcorp Genetics (formerly Invitae), Labcorp); PubMed 24606995 (cited by Labcorp Genetics (formerly Invitae), Labcorp).

NM_000218.3(KCNQ1):c.943T>C (p.Tyr315His)

Gene: KCNQ1 (potassium voltage-gated channel subfamily Q member 1; plus strand). Cytogenetic location: 11p15.5.
Variant type: single nucleotide variant.
Coding change: c.943T>C on transcript NM_000218.3 (MANE Select); coding-DNA position 943, T replaced by C.
Protein change: p.Tyr315His; replaces tyrosine 315 with histidine.
Molecular consequence: missense variant.
Genome position (GRCh38, 1-based): chr11:2,583,456, T>C. VCF-style: chr11-2583456-T-C. GRCh37 (hg19) VCF-style: chr11-2604686-T-C.
Other names: c.943T>C, p.Tyr315His (NM_001406836.1); c.673T>C, p.Tyr225His (NM_001406837.1); c.499T>C, p.Tyr167His (NM_001406838.1); c.562T>C, p.Tyr188His (NM_181798.2); short protein forms Y188H, Y315H, Y167H, Y225H.
Identifiers: ClinVar variation 449302 (VCV000449302.7), dbSNP rs1554894448, ClinGen allele CA379132979.
Genomic context (GRCh38, chr11:2,583,456, plus strand): 5'-AGTCCCATCCGTGGCTGACCACTGTCCCTCTCCCTGCAGGTCACAGTCACCACCATCGGC[T>C]ATGGGGACAAGGTGCCCCAGACGTGGGTCGGGAAGACCATCGCCTCCTGCTTCTCTGTCT-3'
Protein context (NP_000209.2, residues 305-325): WGVVTVTTIG[Tyr315His]GDKVPQTWVG